The following is an entry in ClinVar:

ClinVar aggregate classification (germline): Benign/Likely benign. Review status: criteria provided, multiple submitters, no conflicts (2 of 4 stars). 2 submissions from 2 submitters: Benign (1); Likely benign (1). Last evaluated 2025-03-28.

Conditions:
Peutz-Jeghers syndrome (PJS). Also called: Peutz-Jeghers polyposis; Periorificial lentiginosis syndrome; POLYPOSIS, HAMARTOMATOUS INTESTINAL; POLYPS-AND-SPOTS SYNDROME. Identifiers: Orphanet 2869, MedGen C0031269, MeSH D010580, MONDO:0008280, OMIM 175200.

Submissions (2):

Myriad Genetics, Inc.
Classification: Benign for Peutz-Jeghers syndrome. Last evaluated: 2025-03-28. Review status: criteria provided, single submitter. Criteria: Myriad Autosomal Dominant, Autosomal Recessive and X-Linked Classification Criteria (2023). Collection method: clinical testing. Allele origin: unknown.
Comment: This variant is considered benign. This variant is a silent/synonymous amino acid change and it is not expected to impact splicing.

Labcorp Genetics (formerly Invitae), Labcorp
Classification: Likely benign for Peutz-Jeghers syndrome. Last evaluated: 2022-04-28. Review status: criteria provided, single submitter. Criteria: Invitae Variant Classification Sherloc (09022015). Collection method: clinical testing. Allele origin: germline.

NM_000455.5(STK11):c.930G>A (p.Arg310=)

Gene: STK11 (serine/threonine kinase 11; plus strand). Cytogenetic location: 19p13.3.
Variant type: single nucleotide variant.
Coding change: c.930G>A on transcript NM_000455.5 (MANE Select); coding-DNA position 930, G replaced by A.
Protein change: p.Arg310=; no amino-acid change (arginine 310 retained).
Molecular consequence: synonymous variant. On other transcripts: non-coding transcript variant (1).
Genome position (GRCh38, 1-based): chr19:1,222,994, G>A. VCF-style: chr19-1222994-G-A. GRCh37 (hg19) VCF-style: chr19-1222993-G-A.
Other names: c.930G>A, p.Arg310= (NM_001407255.1).
Identifiers: ClinVar variation 2131584 (VCV002131584.5), dbSNP rs2080795732, ClinGen allele CA504707719.